The following is an entry in ClinVar:

NM_001206979.2(NR1H4):c.875C>T (p.Thr292Met)

Gene: NR1H4 (nuclear receptor subfamily 1 group H member 4; plus strand). Cytogenetic location: 12q23.1.
Variant type: single nucleotide variant.
Coding change: c.875C>T on transcript NM_001206979.2 (MANE Select); coding-DNA position 875, C replaced by T.
Protein change: p.Thr292Met; replaces threonine 292 with methionine.
Molecular consequence: missense variant. On other transcripts: non-coding transcript variant (1).
Genome position (GRCh38, 1-based): chr12:100,536,991, C>T. VCF-style: chr12-100536991-C-T. GRCh37 (hg19) VCF-style: chr12-100930769-C-T.
Other names: p.Thr288Met; c.863C>T (NM_005123.3); c.875C>T, p.Thr292Met (NM_001206977.2); c.722C>T, p.Thr241Met (NM_001206978.2); c.893C>T, p.Thr298Met (NM_001206992.2); c.905C>T, p.Thr302Met (NM_001206993.2); c.863C>T, p.Thr288Met (NM_005123.4); short protein forms T241M, T298M, T288M, T292M, T302M.
Identifiers: ClinVar variation 2074373 (VCV002074373.4), dbSNP rs748378207, ClinGen allele CA6739363.
Genomic context (GRCh38, chr12:100,536,991, plus strand): 5'-TTTTTCTTAAAATTTAGTTAAAAGAAGAATTCAGTGCAGAAGAAAATTTTCTCATTTTGA[C>T]GGAAATGGCAACCAATCATGTACAGGTTCTTGTAGAATTCACAAAAAAGCTACCAGGTAT-3'
Protein context (NP_001193908.1, residues 282-302): FSAEENFLIL[Thr292Met]EMATNHVQVL

ClinVar aggregate classification (germline): Uncertain significance. Review status: criteria provided, multiple submitters, no conflicts (2 of 4 stars). 4 submissions from 4 submitters: Uncertain significance (4). Last evaluated 2025-12-03.

Conditions:
NR1H4-related disorder. Also called: NR1H4-related condition.
Inborn genetic diseases. Identifiers: MedGen C0950123, MeSH D030342.

Allele frequency attached by ClinVar (database versions not stated): gnomAD exomes 0.00005; gnomAD 0.00006; TOPMed 0.00006; ExAC 0.00013.
gnomAD v4.1: 81 of 1,601,588 alleles (0.0051%); highest among the groups gnomAD compares: Admixed American, 0.06%; no homozygotes.

Submissions (4):

PreventionGenetics, part of Exact Sciences
Classification: Uncertain significance for NR1H4-related condition. Last evaluated: 2025-12-03. Review status: criteria provided, single submitter. Criteria: ACMG Guidelines, 2015. Collection method: clinical testing. Allele origin: germline.
Comment: The NR1H4 c.863C>T variant is predicted to result in the amino acid substitution p.Thr288Met. To our knowledge, this variant has not been reported in the literature. This variant is reported in 0.072% of alleles in individuals of Latino descent in gnomAD. Although we suspect that this variant may be benign, at this time, the clinical significance of this variant is uncertain due to the absence of conclusive functional and genetic evidence.

Ambry Genetics
Classification: Uncertain significance for Inborn genetic diseases. Last evaluated: 2024-10-04. Review status: criteria provided, single submitter. Criteria: Ambry Variant Classification Scheme 2023. Collection method: clinical testing. Allele origin: germline.

Mayo Clinic Laboratories, Mayo Clinic
Classification: Uncertain significance. Last evaluated: 2022-12-01. Review status: criteria provided, single submitter. Criteria: ACMG Guidelines, 2015. Collection method: clinical testing. Allele origin: germline. Observed: 1 variant allele.
Comment: PP3

Labcorp Genetics (formerly Invitae), Labcorp
Classification: Uncertain significance. Last evaluated: 2022-08-08. Review status: criteria provided, single submitter. Criteria: Invitae Variant Classification Sherloc (09022015). Collection method: clinical testing. Allele origin: germline.
Comment: This sequence change replaces threonine, which is neutral and polar, with methionine, which is neutral and non-polar, at codon 288 of the NR1H4 protein (p.Thr288Met). This variant is present in population databases (rs748378207, gnomAD 0.08%). This variant has not been reported in the literature in individuals affected with NR1H4-related conditions. Algorithms developed to predict the effect of missense changes on protein structure and function are either unavailable or do not agree on the potential impact of this missense change (SIFT: "Deleterious"; PolyPhen-2: "Probably Damaging"; Align-GVGD: "Class C0"). In summary, the available evidence is currently insufficient to determine the role of this variant in disease. Therefore, it has been classified as a Variant of Uncertain Significance.